The following is an entry in ClinVar:

NM_020928.2(ZSWIM6):c.2785+6T>C

Gene: ZSWIM6 (zinc finger SWIM-type containing 6; plus strand). Cytogenetic location: 5q12.1.
Variant type: single nucleotide variant.
Coding change: c.2785+6T>C on transcript NM_020928.2 (MANE Select); 6 bases into the intron after coding-DNA position 2785, T replaced by C.
Molecular consequence: intron variant.
Genome position (GRCh38, 1-based): chr5:61,541,971, T>C. VCF-style: chr5-61541971-T-C. GRCh37 (hg19) VCF-style: chr5-60837798-T-C.
Identifiers: ClinVar variation 1486715 (VCV001486715.6), dbSNP rs911486482, ClinGen allele CA119664119.

ClinVar aggregate classification (germline): Uncertain significance (1 of 4 stars; one submission).

Allele frequency attached by ClinVar (database versions not stated): gnomAD exomes 0.00001; gnomAD 0.00002; TOPMed 0.00003.
gnomAD v4.1: 19 of 1,549,660 alleles (0.0012%); highest among the groups gnomAD compares: Non-Finnish European, 0.0017%; no homozygotes.

Submission:

Labcorp Genetics (formerly Invitae), Labcorp
Classification: Uncertain significance. Last evaluated: 2025-12-09. Review status: criteria provided, single submitter. Criteria: Invitae Variant Classification Sherloc (09022015). Collection method: clinical testing. Allele origin: germline.
Comment: This sequence change falls in intron 13 of the ZSWIM6 gene. It does not directly change the encoded amino acid sequence of the ZSWIM6 protein. It affects a nucleotide within the consensus splice site. This variant is present in population databases (no rsID available, gnomAD 0.002%). This variant has not been reported in the literature in individuals affected with ZSWIM6-related conditions. ClinVar contains an entry for this variant (Variation ID: 1486715). Variants that disrupt the consensus splice site are a relatively common cause of aberrant splicing (PMID: 17576681, 9536098). Algorithms developed to predict the effect of sequence changes on RNA splicing suggest that this variant may disrupt the consensus splice site. In summary, the available evidence is currently insufficient to determine the role of this variant in disease. Therefore, it has been classified as a Variant of Uncertain Significance.

Literature cited by the submitters: PubMed 17576681; PubMed 9536098.